The following is an entry in ClinVar:

NM_001039141.3(TRIOBP):c.157C>G (p.Leu53Val)

Gene: TRIOBP (TRIO and F-actin binding protein; plus strand). Cytogenetic location: 22q13.1.
Variant type: single nucleotide variant.
Coding change: c.157C>G on transcript NM_001039141.3 (MANE Select); coding-DNA position 157, C replaced by G.
Protein change: p.Leu53Val; replaces leucine 53 with valine.
Molecular consequence: missense variant.
Genome position (GRCh38, 1-based): chr22:37,710,469, C>G. VCF-style: chr22-37710469-C-G. GRCh37 (hg19) VCF-style: chr22-38106476-C-G.
Other names: short protein forms L53V.
Identifiers: ClinVar variation 1978882 (VCV001978882.4), dbSNP rs775848908, ClinGen allele CA10223262.

ClinVar aggregate classification (germline): Uncertain significance (1 of 4 stars; one submission).

Allele frequency attached by ClinVar (database versions not stated): gnomAD 0.00001; gnomAD exomes 0.00001; TOPMed 0.00002; ExAC 0.00005.
gnomAD v4.1: 17 of 1,613,346 alleles (0.0011%); highest among the groups gnomAD compares: Admixed American, 0.025%; no homozygotes.

Submission:

Labcorp Genetics (formerly Invitae), Labcorp
Classification: Uncertain significance. Last evaluated: 2022-06-05. Review status: criteria provided, single submitter. Criteria: Invitae Variant Classification Sherloc (09022015). Collection method: clinical testing. Allele origin: germline.
Comment: Algorithms developed to predict the effect of missense changes on protein structure and function are either unavailable or do not agree on the potential impact of this missense change (SIFT: "Deleterious"; PolyPhen-2: "Possibly Damaging"; Align-GVGD: "Class C0"). This variant has not been reported in the literature in individuals affected with TRIOBP-related conditions. This variant is present in population databases (rs775848908, gnomAD 0.03%). This sequence change replaces leucine, which is neutral and non-polar, with valine, which is neutral and non-polar, at codon 53 of the TRIOBP protein (p.Leu53Val). In summary, the available evidence is currently insufficient to determine the role of this variant in disease. Therefore, it has been classified as a Variant of Uncertain Significance.